The following is an entry in ClinVar:

ClinVar aggregate classification (germline): Uncertain significance (1 of 4 stars; one submission).

Conditions:
Oligodontia-cancer predisposition syndrome. Also called: TOOTH AGENESIS-COLORECTAL CANCER SYNDROME. Identifiers: Orphanet 300576, MedGen C1837750, MONDO:0012075, OMIM 608615. Disease mechanism: loss of function.

Submission:

Labcorp Genetics (formerly Invitae), Labcorp
Classification: Uncertain significance for Oligodontia-cancer predisposition syndrome. Last evaluated: 2022-11-15. Review status: criteria provided, single submitter. Criteria: Invitae Variant Classification Sherloc (09022015). Collection method: clinical testing. Allele origin: germline.
Comment: This sequence change replaces glycine, which is neutral and non-polar, with alanine, which is neutral and non-polar, at codon 589 of the AXIN2 protein (p.Gly589Ala). This variant is not present in population databases (gnomAD no frequency). In summary, the available evidence is currently insufficient to determine the role of this variant in disease. Therefore, it has been classified as a Variant of Uncertain Significance. Advanced modeling of protein sequence and biophysical properties (such as structural, functional, and spatial information, amino acid conservation, physicochemical variation, residue mobility, and thermodynamic stability) performed at Invitae indicates that this missense variant is not expected to disrupt AXIN2 protein function. ClinVar contains an entry for this variant (Variation ID: 1469177). This variant has not been reported in the literature in individuals affected with AXIN2-related conditions.

NM_004655.4(AXIN2):c.1766G>C (p.Gly589Ala)

Gene: AXIN2 (axin 2; minus strand). Cytogenetic location: 17q24.1.
Variant type: single nucleotide variant.
Coding change: c.1766G>C on transcript NM_004655.4 (MANE Select); coding-DNA position 1766, G replaced by C.
Protein change: p.Gly589Ala; replaces glycine 589 with alanine.
Molecular consequence: missense variant. On other transcripts: intron variant (1).
Genome position (GRCh38, 1-based): chr17:65,537,010, C>G on the plus strand (G>C on the coding strand, the complement: AXIN2 is on the minus strand). VCF-style: chr17-65537010-C-G. GRCh37 (hg19) VCF-style: chr17-63533128-C-G.
Other names: c.1712+314G>C (NM_001363813.1); short protein forms G589A.
Identifiers: ClinVar variation 1469177 (VCV001469177.6), dbSNP rs1598097921, ClinGen allele CA400676659.